The following is an entry in ClinVar:

NM_006734.4(HIVEP2):c.4449C>G (p.Ile1483Met)

Gene: HIVEP2 (HIVEP zinc finger 2; minus strand). Cytogenetic location: 6q24.2.
Variant type: single nucleotide variant.
Coding change: c.4449C>G on transcript NM_006734.4 (MANE Select); coding-DNA position 4449, C replaced by G.
Protein change: p.Ile1483Met; replaces isoleucine 1483 with methionine.
Molecular consequence: missense variant.
Genome position (GRCh38, 1-based): chr6:142,770,290, G>C on the plus strand (C>G on the coding strand, the complement: HIVEP2 is on the minus strand). VCF-style: chr6-142770290-G-C. GRCh37 (hg19) VCF-style: chr6-143091427-G-C.
Other names: c.4449C>G, p.Ile1483Met (NM_001438449.1, NM_001438450.1, NM_001438451.1); short protein forms I1483M.
Identifiers: ClinVar variation 4074564 (VCV004074564.1).

ClinVar aggregate classification (germline): Uncertain significance (1 of 4 stars; one submission).

Submission:

GeneDx
Classification: Uncertain significance. Last evaluated: 2025-02-06. Review status: criteria provided, single submitter. Criteria: GeneDx Variant Classification Process June 2021. Collection method: clinical testing. Allele origin: germline. Affected: yes.
Comment: Not observed at significant frequency in large population cohorts (gnomAD); In silico analysis indicates that this missense variant does not alter protein structure/function; Has not been previously published as pathogenic or benign to our knowledge